The following is an entry in ClinVar:

NM_001184.4(ATR):c.4415C>T (p.Ser1472Phe)

Gene: ATR (ATR checkpoint kinase; minus strand). Cytogenetic location: 3q23.
Variant type: single nucleotide variant.
Coding change: c.4415C>T on transcript NM_001184.4 (MANE Select); coding-DNA position 4415, C replaced by T.
Protein change: p.Ser1472Phe; replaces serine 1472 with phenylalanine.
Molecular consequence: missense variant.
Genome position (GRCh38, 1-based): chr3:142,515,483, G>A on the plus strand (C>T on the coding strand, the complement: ATR is on the minus strand). VCF-style: chr3-142515483-G-A. GRCh37 (hg19) VCF-style: chr3-142234325-G-A.
Other names: c.4223C>T, p.Ser1408Phe (NM_001354579.2); short protein forms S1408F, S1472F.
Identifiers: ClinVar variation 1740430 (VCV001740430.2), dbSNP rs1251645557, ClinGen allele CA354798589.

ClinVar aggregate classification (germline): Uncertain significance (1 of 4 stars; one submission).

Conditions:
Inborn genetic diseases. Identifiers: MedGen C0950123, MeSH D030342.

gnomAD v4.1: 1 of 1,612,214 alleles (0.000062%); highest among the groups gnomAD compares: African/African-American, 0.0013%; no homozygotes.

Submission:

Ambry Genetics
Classification: Uncertain significance for Inborn genetic diseases. Last evaluated: 2021-11-09. Review status: criteria provided, single submitter. Criteria: Ambry Variant Classification Scheme 2023. Collection method: clinical testing. Allele origin: germline.
Comment: The p.S1472F variant (also known as c.4415C>T), located in coding exon 25 of the ATR gene, results from a C to T substitution at nucleotide position 4415. The serine at codon 1472 is replaced by phenylalanine, an amino acid with highly dissimilar properties. This amino acid position is conserved. In addition, this alteration is predicted to be tolerated by in silico analysis. Since supporting evidence is limited at this time, the clinical significance of this alteration remains unclear.